The following is an entry in ClinVar:

ClinVar aggregate classification (germline): Benign/Likely benign. Review status: criteria provided, multiple submitters, no conflicts (2 of 4 stars). 5 submissions from 5 submitters: Benign (2); Likely benign (3). Last evaluated 2026-09-01.

Allele frequency attached by ClinVar (database versions not stated): 1000 Genomes Project 0.00459; 1000 Genomes Project 30x 0.00468; ExAC 0.00581; gnomAD exomes 0.00594 and 0.00745; ESP Exome Variant Server 0.00615; gnomAD 0.00624 and 0.00635; TOPMed 0.00658.
gnomAD v4.1: 11,839 of 1,614,164 alleles (0.73%); highest among the groups gnomAD compares: Middle Eastern, 1%; 63 homozygotes.

Submissions (8):

CeGaT Center for Human Genetics Tuebingen
Classification: Likely benign. Last evaluated: 2026-09-01. Review status: criteria provided, single submitter. Criteria: CeGaT Center For Human Genetics Tuebingen Variant Classification Criteria Version 2. Collection method: clinical testing. Allele origin: germline. Affected: yes. Observed: 25 variant alleles.
Comment: CNTNAP1: BP4, BP7, BS2

Labcorp Genetics (formerly Invitae), Labcorp
Classification: Benign. Last evaluated: 2026-02-01. Review status: criteria provided, single submitter. Criteria: Invitae Variant Classification Sherloc (09022015). Collection method: clinical testing. Allele origin: germline.

GeneDx
Classification: Likely benign. Last evaluated: 2020-11-02. Review status: criteria provided, single submitter. Criteria: GeneDx Variant Classification Process June 2021. Collection method: clinical testing. Allele origin: germline. Affected: yes.

Mayo Clinic Laboratories, Mayo Clinic
Classification: Benign. Last evaluated: 2019-10-29. Review status: criteria provided, single submitter. Criteria: ACMG Guidelines, 2015. Collection method: clinical testing. Allele origin: germline. Observed: 31 variant alleles.

Breakthrough Genomics
Classification: Likely benign. Review status: criteria provided, single submitter. Criteria: ACMG Guidelines, 2015. Collection method: not provided. Allele origin: germline. Inheritance: Autosomal recessive inheritance. Affected: yes.

Dr. Peter K. Rogan Lab, Western University
No classification provided (evidence only). Condition: Hepatocellular carcinoma. Review status: no classification provided. Collection method: in vitro. Allele origin: not applicable. Functional consequence: retained intron. Not counted in ClinVar's aggregate classification.

Dr. Peter K. Rogan Lab, Western University
No classification provided (evidence only). Condition: Ovarian serous cystadenocarcinoma. Review status: no classification provided. Collection method: in vitro. Allele origin: not applicable. Functional consequence: retained intron. Not counted in ClinVar's aggregate classification.

Dr. Peter K. Rogan Lab, Western University
No classification provided (evidence only). Condition: Gastric cancer. Review status: no classification provided. Collection method: in vitro. Allele origin: not applicable. Functional consequence: retained intron. Not counted in ClinVar's aggregate classification.

NM_003632.3(CNTNAP1):c.765C>T (p.Gly255=)

Gene: CNTNAP1 (contactin associated protein 1; plus strand). Cytogenetic location: 17q21.2.
Variant type: single nucleotide variant.
Coding change: c.765C>T on transcript NM_003632.3 (MANE Select); coding-DNA position 765, C replaced by T.
Protein change: p.Gly255=; no amino-acid change (glycine 255 retained).
Molecular consequence: synonymous variant.
Genome position (GRCh38, 1-based): chr17:42,686,006, C>T. VCF-style: chr17-42686006-C-T. GRCh37 (hg19) VCF-style: chr17-40838024-C-T.
Other names: p.Gly255=.
Identifiers: ClinVar variation 775384 (VCV000775384.37), dbSNP rs62001916, ClinGen allele CA8581615.